The following is an entry in ClinVar:

ClinVar aggregate classification (germline): Likely benign. Review status: criteria provided, multiple submitters, no conflicts (2 of 4 stars). 3 submissions from 3 submitters: Likely benign (2). 1 of the submissions does not count toward it. Last evaluated 2025-10-13.

Conditions:
KIDINS220-related disorder. Also called: KIDINS220-related condition.

Allele frequency attached by ClinVar (database versions not stated): ExAC 0.00001; gnomAD exomes 0.00001; gnomAD 0.00002; TOPMed 0.00002.
gnomAD v4.1: 22 of 1,614,002 alleles (0.0014%); highest among the groups gnomAD compares: Admixed American, 0.0067%; no homozygotes.

Submissions (3):

Labcorp Genetics (formerly Invitae), Labcorp
Classification: Likely benign. Last evaluated: 2025-10-13. Review status: criteria provided, single submitter. Criteria: Invitae Variant Classification Sherloc (09022015). Collection method: clinical testing. Allele origin: germline.

Blueprint Genetics
Classification: Likely benign. Last evaluated: 2020-11-17. Review status: criteria provided, single submitter. Criteria: ACMG Guidelines, 2015. Collection method: clinical testing. Allele origin: germline.

PreventionGenetics, part of Exact Sciences
Classification: Likely benign for KIDINS220-related condition. Last evaluated: 2023-08-17. Review status: no assertion criteria provided. Collection method: clinical testing. Allele origin: germline. Not counted in ClinVar's aggregate classification.
Comment: This variant is classified as likely benign based on ACMG/AMP sequence variant interpretation guidelines (Richards et al. 2015 PMID: 25741868, with internal and published modifications).

NM_020738.4(KIDINS220):c.4239T>C (p.His1413=)

Gene: KIDINS220 (kinase D interacting substrate 220; minus strand). Cytogenetic location: 2p25.1.
Variant type: single nucleotide variant.
Coding change: c.4239T>C on transcript NM_020738.4 (MANE Select); coding-DNA position 4239, T replaced by C.
Protein change: p.His1413=; no amino-acid change (histidine 1413 retained).
Molecular consequence: synonymous variant. On other transcripts: intron variant (6).
Genome position (GRCh38, 1-based): chr2:8,731,797, A>G on the plus strand (T>C on the coding strand, the complement: KIDINS220 is on the minus strand). VCF-style: chr2-8731797-A-G. GRCh37 (hg19) VCF-style: chr2-8871927-A-G.
Other names: c.4242T>C, p.His1414= (NM_001348729.2); c.4185T>C, p.His1395= (NM_001348731.2); c.4182T>C, p.His1394= (NM_001348732.2); c.4071T>C, p.His1357= (NM_001348734.2); c.4068T>C, p.His1356= (NM_001348735.2); c.3942T>C, p.His1314= (NM_001348736.2); c.3882+1647T>C (NM_001348741.2, NM_001348742.2, NM_001348743.2); c.3996+1647T>C (NM_001348738.2); and 2 more.
Identifiers: ClinVar variation 3014505 (VCV003014505.6), dbSNP rs750930757, ClinGen allele CA1519402.
Genomic context (GRCh38, chr2:8,731,797, plus strand): 5'-TTGCTCTAGGTTTGAATGAATAGAGCCCCCTGATGAACTCTGACCCATGTAATATGTGCT[A>G]TGTGGAGAAGATCTGCCACTAATGGTTGTAGACCCGGGGCCCCCTTCTAACTGGGACATC-3'
Protein context (NP_065789.1, residues 1403-1423): STTISGRSSP[His1413=]STYYMGQSSS